The following is an entry in ClinVar:

ClinVar aggregate classification (germline): Likely benign (1 of 4 stars; one submission).

gnomAD v4.1: 8 of 1,081,484 alleles (0.00074%); highest among the groups gnomAD compares: Admixed American, 0.0049%; no homozygotes.

Submission:

CeGaT Center for Human Genetics Tuebingen
Classification: Likely benign. Last evaluated: 2026-04-01. Review status: criteria provided, single submitter. Criteria: CeGaT Center For Human Genetics Tuebingen Variant Classification Criteria Version 2. Collection method: clinical testing. Allele origin: germline. Affected: yes. Observed: 1 variant allele.
Comment: CNKSR2: BP4, BP7

NM_014927.5(CNKSR2):c.2145G>A (p.Ser715=)

Gene: CNKSR2 (connector enhancer of kinase suppressor of Ras 2; plus strand). Cytogenetic location: Xp22.12.
Variant type: single nucleotide variant.
Coding change: c.2145G>A on transcript NM_014927.5 (MANE Select); coding-DNA position 2145, G replaced by A.
Protein change: p.Ser715=; no amino-acid change (serine 715 retained).
Molecular consequence: synonymous variant.
Genome position (GRCh38, 1-based): chrX:21,606,879, G>A. VCF-style: chrX-21606879-G-A. GRCh37 (hg19) VCF-style: chrX-21624997-G-A.
Other names: c.2055G>A, p.Ser685= (NM_001168647.3, NM_001330773.2); c.2145G>A, p.Ser715= (NM_001168648.3); c.1998G>A, p.Ser666= (NM_001168649.3, NM_001330770.2); c.1908G>A, p.Ser636= (NM_001330771.2, NM_001330772.2).
Identifiers: ClinVar variation 4874617 (VCV004874617.2).